The following is an entry in ClinVar:

NM_000038.6(APC):c.730-2883G>T

Gene: APC (APC regulator of WNT signaling pathway; plus strand). Cytogenetic location: 5q22.2.
Variant type: single nucleotide variant.
Coding change: c.730-2883G>T on transcript NM_000038.6 (MANE Select); 2883 bases into the intron before coding-DNA position 730, G replaced by T.
Molecular consequence: intron variant.
Genome position (GRCh38, 1-based): chr5:112,798,396, G>T. VCF-style: chr5-112798396-G-T. GRCh37 (hg19) VCF-style: chr5-112134093-G-T.
Other names: c.730-2883G>T (NM_001354895.2, NM_001127510.3, NM_001354896.2 and 1 more transcripts); c.760-2883G>T (NM_001354897.2, NM_001354902.2); c.676-2883G>T (NM_001127511.3); c.655-2883G>T (NM_001354898.2, NM_001354904.2); c.-306-2883G>T (NM_001354906.2); c.646-2883G>T (NM_001354899.2); c.553-2883G>T (NM_001354900.2, NM_001354901.2, NM_001354905.2).
Identifiers: ClinVar variation 83022 (VCV000083022.2), dbSNP rs77625365, ClinGen allele CA013543.

ClinVar aggregate classification (germline): other (0 of 4 stars; one submission).

Conditions:
Familial colorectal cancer. Identifiers: MedGen CN280943, MONDO:0023113. Disease mechanism: loss of function.

Submission:

Systems Biology Platform Zhejiang California International NanoSystems Institute
Classification: other for Familial colorectal cancer. Review status: no assertion criteria provided. Collection method: not provided. Allele origin: unknown.
ClinVar note: Converted during submission from cancer to other.